The following is an entry in ClinVar:

ClinVar aggregate classification (germline): Uncertain significance (1 of 4 stars; one submission).

Allele frequency attached by ClinVar (database versions not stated): gnomAD exomes below 0.00001; ExAC 0.00001.
gnomAD v4.1: 2 of 1,559,362 alleles (0.00013%); highest among the groups gnomAD compares: Non-Finnish European, 0.000088%; no homozygotes.

Submission:

Labcorp Genetics (formerly Invitae), Labcorp
Classification: Uncertain significance. Last evaluated: 2022-07-21. Review status: criteria provided, single submitter. Criteria: Invitae Variant Classification Sherloc (09022015). Collection method: clinical testing. Allele origin: germline.
Comment: In summary, the available evidence is currently insufficient to determine the role of this variant in disease. Therefore, it has been classified as a Variant of Uncertain Significance. Algorithms developed to predict the effect of sequence changes on RNA splicing suggest that this variant may create or strengthen a splice site. This variant has not been reported in the literature in individuals affected with IARS2-related conditions. This variant is present in population databases (rs746943125, gnomAD 0.01%). This sequence change falls in intron 12 of the IARS2 gene. It does not directly change the encoded amino acid sequence of the IARS2 protein.

NM_018060.4(IARS2):c.1641-10C>G

Gene: IARS2 (isoleucyl-tRNA synthetase 2, mitochondrial; plus strand). Cytogenetic location: 1q41.
Variant type: single nucleotide variant.
Coding change: c.1641-10C>G on transcript NM_018060.4 (MANE Select); 10 bases into the intron before coding-DNA position 1641, C replaced by G.
Molecular consequence: intron variant.
Genome position (GRCh38, 1-based): chr1:220,125,227, C>G. VCF-style: chr1-220125227-C-G. GRCh37 (hg19) VCF-style: chr1-220298569-C-G.
Identifiers: ClinVar variation 1939955 (VCV001939955.5), dbSNP rs746943125, ClinGen allele CA1401539.